The following is an entry in ClinVar:

ClinVar aggregate classification (germline): Uncertain significance (1 of 4 stars; one submission).

Conditions:
Inborn genetic diseases. Identifiers: MedGen C0950123, MeSH D030342.

Submission:

Ambry Genetics
Classification: Uncertain significance for Inborn genetic diseases. Last evaluated: 2026-08-23. Review status: criteria provided, single submitter. Criteria: Ambry Variant Classification Scheme 2023. Collection method: clinical testing. Allele origin: germline.
Comment: The p.A516G variant (also known as c.1547C>G), located in coding exon 12 of the FANCG gene, results from a C to G substitution at nucleotide position 1547. The alanine at codon 516 is replaced by glycine, an amino acid with similar properties. This amino acid position is conserved. In addition, this alteration is predicted to be tolerated by in silico analysis. Based on the available evidence, the clinical significance of this variant remains unclear.

NM_004629.2(FANCG):c.1547C>G (p.Ala516Gly)

Gene: FANCG (FA complementation group G; minus strand). Cytogenetic location: 9p13.3.
Variant type: single nucleotide variant.
Coding change: c.1547C>G on transcript NM_004629.2 (MANE Select); coding-DNA position 1547, C replaced by G.
Protein change: p.Ala516Gly; replaces alanine 516 with glycine.
Molecular consequence: missense variant.
Genome position (GRCh38, 1-based): chr9:35,075,016, G>C on the plus strand (C>G on the coding strand, the complement: FANCG is on the minus strand). VCF-style: chr9-35075016-G-C. GRCh37 (hg19) VCF-style: chr9-35075013-G-C.
Other names: short protein forms A516G.
Identifiers: ClinVar variation 5036536 (VCV005036536.1).